The following is an entry in ClinVar:

ClinVar aggregate classification (germline): Uncertain significance (1 of 4 stars; one submission).

Conditions:
Autosomal dominant hypocalcemia 1 (HYPOC1). Also called: HYPOCALCEMIA, FAMILIAL. Identifiers: MedGen C3715128, MONDO:0011013, OMIM 601198.
Familial hypocalciuric hypercalcemia (FHH). Also called: Familial benign hypercalcemia. Identifiers: Orphanet 405, MedGen C1809471, MONDO:0018458.

Allele frequency attached by ClinVar (database versions not stated): TOPMed below 0.00001; gnomAD 0.00001.
gnomAD v4.1: 1 of 1,613,952 alleles (0.000062%); highest among the groups gnomAD compares: African/African-American, 0.0013%; no homozygotes.

Submission:

Labcorp Genetics (formerly Invitae), Labcorp
Classification: Uncertain significance for Familial hypocalciuric hypercalcemia; Autosomal dominant hypocalcemia 1. Last evaluated: 2020-09-11. Review status: criteria provided, single submitter. Criteria: Invitae Variant Classification Sherloc (09022015). Collection method: clinical testing. Allele origin: germline.
Comment: In summary, the available evidence is currently insufficient to determine the role of this variant in disease. Therefore, it has been classified as a Variant of Uncertain Significance. Algorithms developed to predict the effect of missense changes on protein structure and function (SIFT, PolyPhen-2, Align-GVGD) all suggest that this variant is likely to be disruptive, but these predictions have not been confirmed by published functional studies and their clinical significance is uncertain. This variant has not been reported in the literature in individuals with CASR-related conditions. This variant is not present in population databases (ExAC no frequency). This sequence change replaces threonine with isoleucine at codon 596 of the CASR protein (p.Thr596Ile). The threonine residue is highly conserved and there is a moderate physicochemical difference between threonine and isoleucine.

NM_000388.4(CASR):c.1787C>T (p.Thr596Ile)

Gene: CASR (calcium sensing receptor; plus strand). Cytogenetic location: 3q21.1.
Variant type: single nucleotide variant.
Coding change: c.1787C>T on transcript NM_000388.4 (MANE Select); coding-DNA position 1787, C replaced by T.
Protein change: p.Thr596Ile; replaces threonine 596 with isoleucine.
Molecular consequence: missense variant.
Genome position (GRCh38, 1-based): chr3:122,283,741, C>T. VCF-style: chr3-122283741-C-T. GRCh37 (hg19) VCF-style: chr3-122002588-C-T.
Other names: c.1817C>T, p.Thr606Ile (NM_001178065.2); short protein forms T596I, T606I.
Identifiers: ClinVar variation 1052023 (VCV001052023.9), dbSNP rs1348036340, ClinGen allele CA354157349.
Genomic context (GRCh38, chr3:122,283,741, plus strand): 5'-TTACAGATGCCAGTGCCTGTAACAAGTGCCCAGATGACTTCTGGTCCAATGAGAACCACA[C>T]CTCCTGCATTGCCAAGGAGATCGAGTTTCTGTCGTGGACGGAGCCCTTTGGGATCGCACT-3'
Protein context (NP_000379.3, residues 586-606): PDDFWSNENH[Thr596Ile]SCIAKEIEFL